The following is an entry in ClinVar:

NM_000540.3(RYR1):c.8501C>T (p.Thr2834Met)

Genes: RYR1 (ryanodine receptor 1; plus strand), LOC126862902 (BRD4-independent group 4 enhancer GRCh37_chr19:38995830-38997029; plus strand). Cytogenetic location: 19q13.2.
Variant type: single nucleotide variant.
Coding change: c.8501C>T on transcript NM_000540.3 (MANE Select); coding-DNA position 8501, C replaced by T.
Protein change: p.Thr2834Met; replaces threonine 2834 with methionine.
Molecular consequence: missense variant.
Genome position (GRCh38, 1-based): chr19:38,505,906, C>T. VCF-style: chr19-38505906-C-T. GRCh37 (hg19) VCF-style: chr19-38996546-C-T.
Other names: c.8501C>T, p.Thr2834Met (NM_001042723.2); short protein forms T2834M.
Identifiers: ClinVar variation 478292 (VCV000478292.9), dbSNP rs555470100, ClinGen allele CA072119.

ClinVar aggregate classification (germline): Uncertain significance. Review status: criteria provided, multiple submitters, no conflicts (2 of 4 stars). 2 submissions from 2 submitters: Uncertain significance (2). Last evaluated 2025-09-15.

Conditions:
RYR1-related disorder. Also called: RYR1-related condition; RYR1-related disorders. Identifiers: MedGen CN239331.
Malignant hyperthermia, susceptibility to, 1 (MHS1). Also called: Anesthesia related hyperthermia; Malignant hyperpyrexia; Fulminating hyperpyrexia; Pharmacogenic myopathy; Malignant hyperthermia suceptibility 1; RYR1-Related Malignant Hyperthermia Susceptibility. Identifiers: Orphanet 423, MedGen C2930980, MONDO:0007783, OMIM 145600.

gnomAD v4.1: 6 of 1,612,764 alleles (0.00037%); highest among the groups gnomAD compares: African/African-American, 0.004%; no homozygotes.

Submissions (2):

Color Diagnostics, LLC DBA Color Health
Classification: Uncertain significance for Malignant hyperthermia, susceptibility to, 1. Last evaluated: 2025-09-15. Review status: criteria provided, single submitter. Criteria: ACMG Guidelines, 2015. Collection method: clinical testing. Allele origin: germline.
Comment: This missense variant replaces threonine with methionine at codon 2834 of the RYR1 protein. Computational prediction suggests that this variant may not impact protein structure and function. To our knowledge, functional studies have not been reported for this variant. This variant has not been reported in individuals affected with RYR1-related disorders in the literature. This variant has been identified in 4/250820 chromosomes in the general population by the Genome Aggregation Database (gnomAD). The available evidence is insufficient to determine the role of this variant in disease conclusively. Therefore, this variant is classified as a Variant of Uncertain Significance.

Labcorp Genetics (formerly Invitae), Labcorp
Classification: Uncertain significance for RYR1-related disorder. Last evaluated: 2025-05-21. Review status: criteria provided, single submitter. Criteria: Invitae Variant Classification Sherloc (09022015). Collection method: clinical testing. Allele origin: germline.
Comment: This sequence change replaces threonine, which is neutral and polar, with methionine, which is neutral and non-polar, at codon 2834 of the RYR1 protein (p.Thr2834Met). This variant is present in population databases (rs555470100, gnomAD 0.007%). This variant has not been reported in the literature in individuals affected with RYR1-related conditions. ClinVar contains an entry for this variant (Variation ID: 478292). Invitae Evidence Modeling of protein sequence and biophysical properties (such as structural, functional, and spatial information, amino acid conservation, physicochemical variation, residue mobility, and thermodynamic stability) indicates that this missense variant is not expected to disrupt RYR1 protein function with a negative predictive value of 80%. In summary, the available evidence is currently insufficient to determine the role of this variant in disease. Therefore, it has been classified as a Variant of Uncertain Significance.